The following is an entry in ClinVar:

ClinVar aggregate classification (germline): Uncertain significance (1 of 4 stars; one submission).

gnomAD v4.1: 26 of 1,612,214 alleles (0.0016%); highest among the groups gnomAD compares: East Asian, 0.013%; no homozygotes.

Submission:

Labcorp Genetics (formerly Invitae), Labcorp
Classification: Uncertain significance. Last evaluated: 2025-11-23. Review status: criteria provided, single submitter. Criteria: Invitae Variant Classification Sherloc (09022015). Collection method: clinical testing. Allele origin: germline.
Comment: This sequence change replaces threonine, which is neutral and polar, with methionine, which is neutral and non-polar, at codon 375 of the KRT17 protein (p.Thr375Met). This variant is present in population databases (rs199906402, gnomAD 0.01%). This variant has not been reported in the literature in individuals affected with KRT17-related conditions. Invitae Evidence Modeling of protein sequence and biophysical properties (such as structural, functional, and spatial information, amino acid conservation, physicochemical variation, residue mobility, and thermodynamic stability) indicates that this missense variant is not expected to disrupt KRT17 protein function with a negative predictive value of 95%. In summary, the available evidence is currently insufficient to determine the role of this variant in disease. Therefore, it has been classified as a Variant of Uncertain Significance.

NM_000422.3(KRT17):c.1124C>T (p.Thr375Met)

Gene: KRT17 (keratin 17; minus strand). Cytogenetic location: 17q21.2.
Variant type: single nucleotide variant.
Coding change: c.1124C>T on transcript NM_000422.3 (MANE Select); coding-DNA position 1124, C replaced by T.
Protein change: p.Thr375Met; replaces threonine 375 with methionine.
Molecular consequence: missense variant.
Genome position (GRCh38, 1-based): chr17:41,620,716, G>A on the plus strand (C>T on the coding strand, the complement: KRT17 is on the minus strand). VCF-style: chr17-41620716-G-A. GRCh37 (hg19) VCF-style: chr17-39776968-G-A.
Other names: short protein forms T375M.
Identifiers: ClinVar variation 4803728 (VCV004803728.1).